The following is an entry in ClinVar:

ClinVar aggregate classification (germline): Uncertain significance. Review status: criteria provided, multiple submitters, no conflicts (2 of 4 stars). 2 submissions from 2 submitters: Uncertain significance (2). Last evaluated 2025-06-27.

Conditions:
Hereditary cancer-predisposing syndrome. Also called: Tumor predisposition; Hereditary Cancer Syndrome; Neoplastic Syndromes, Hereditary; Hereditary neoplastic syndrome. Identifiers: Orphanet 140162, MedGen C0027672, MeSH D009386, MONDO:0015356.

gnomAD v4.1: 7 of 1,613,556 alleles (0.00043%); highest among the groups gnomAD compares: South Asian, 0.0011%; no homozygotes.

Submissions (2):

Labcorp Genetics (formerly Invitae), Labcorp
Classification: Uncertain significance. Last evaluated: 2025-06-27. Review status: criteria provided, single submitter. Criteria: Invitae Variant Classification Sherloc (09022015). Collection method: clinical testing. Allele origin: germline.
Comment: This sequence change replaces isoleucine, which is neutral and non-polar, with valine, which is neutral and non-polar, at codon 945 of the MSH3 protein (p.Ile945Val). This variant is not present in population databases (gnomAD no frequency). This variant has not been reported in the literature in individuals affected with MSH3-related conditions. ClinVar contains an entry for this variant (Variation ID: 1796609). An algorithm developed to predict the effect of missense changes on protein structure and function (PolyPhen-2) suggests that this variant is likely to be disruptive. In summary, the available evidence is currently insufficient to determine the role of this variant in disease. Therefore, it has been classified as a Variant of Uncertain Significance.

Ambry Genetics
Classification: Uncertain significance for Hereditary cancer-predisposing syndrome. Last evaluated: 2024-04-11. Review status: criteria provided, single submitter. Criteria: Ambry Variant Classification Scheme 2023. Collection method: clinical testing. Allele origin: germline.
Comment: The p.I945V variant (also known as c.2833A>G), located in coding exon 21 of the MSH3 gene, results from an A to G substitution at nucleotide position 2833. The isoleucine at codon 945 is replaced by valine, an amino acid with highly similar properties. This amino acid position is highly conserved in available vertebrate species. In addition, the in silico prediction for this alteration is inconclusive. Based on the available evidence, the clinical significance of this variant remains unclear.

NM_002439.5(MSH3):c.2833A>G (p.Ile945Val)

Gene: MSH3 (mutS homolog 3; plus strand). Cytogenetic location: 5q14.1.
Variant type: single nucleotide variant.
Coding change: c.2833A>G on transcript NM_002439.5 (MANE Select); coding-DNA position 2833, A replaced by G.
Protein change: p.Ile945Val; replaces isoleucine 945 with valine.
Molecular consequence: missense variant.
Genome position (GRCh38, 1-based): chr5:80,854,149, A>G. VCF-style: chr5-80854149-A-G. GRCh37 (hg19) VCF-style: chr5-80149968-A-G.
Other names: short protein forms I945V.
Identifiers: ClinVar variation 1796609 (VCV001796609.8), dbSNP rs1486734790, ClinGen allele CA360275495.
Genomic context (GRCh38, chr5:80,854,149, plus strand): 5'-AAGTGAAGAGGAAAATCAAGGTGTTTTCATCTTGCTTGTAGGATGGGTGCTGCAGACAAT[A>G]TATATAAAGGACAGAGTACATTTATGGAAGAACTGACTGACACAGCAGAAATAATCAGAA-3'
Protein context (NP_002430.3, residues 935-955): IFTRMGAADN[Ile945Val]YKGQSTFMEE